The following is an entry in ClinVar:

NM_020778.5(ALPK3):c.3274G>A (p.Glu1092Lys)

Gene: ALPK3 (alpha kinase 3; plus strand). Cytogenetic location: 15q25.3.
Variant type: single nucleotide variant.
Coding change: c.3274G>A on transcript NM_020778.5 (MANE Select); coding-DNA position 3274, G replaced by A.
Protein change: p.Glu1092Lys; replaces glutamic acid 1092 with lysine.
Molecular consequence: missense variant.
Genome position (GRCh38, 1-based): chr15:84,858,012, G>A. VCF-style: chr15-84858012-G-A. GRCh37 (hg19) VCF-style: chr15-85401243-G-A.
Other names: c.3880G>A (NM_020778.4); short protein forms E1092K.
Identifiers: ClinVar variation 3621330 (VCV003621330.3).

ClinVar aggregate classification (germline): Uncertain significance. Review status: criteria provided, multiple submitters, no conflicts (2 of 4 stars). 2 submissions from 2 submitters: Uncertain significance (2). Last evaluated 2025-10-29.

Conditions:
Cardiovascular phenotype. Identifiers: MedGen CN230736.

Submissions (2):

Ambry Genetics
Classification: Uncertain significance for Cardiovascular phenotype. Last evaluated: 2025-10-29. Review status: criteria provided, single submitter. Criteria: Ambry Variant Classification Scheme 2023. Collection method: clinical testing. Allele origin: germline.
Comment: The p.E1294K variant (also known as c.3880G>A), located in coding exon 6 of the ALPK3 gene, results from a G to A substitution at nucleotide position 3880. The glutamic acid at codon 1294 is replaced by lysine, an amino acid with similar properties. This amino acid position is conserved. In addition, this alteration is predicted to be tolerated by in silico analysis. Based on the available evidence, the clinical significance of this variant remains unclear.

Labcorp Genetics (formerly Invitae), Labcorp
Classification: Uncertain significance. Last evaluated: 2024-12-10. Review status: criteria provided, single submitter. Criteria: Invitae Variant Classification Sherloc (09022015). Collection method: clinical testing. Allele origin: germline.
Comment: This sequence change replaces glutamic acid, which is acidic and polar, with lysine, which is basic and polar, at codon 1294 of the ALPK3 protein (p.Glu1294Lys). This variant is not present in population databases (gnomAD no frequency). This variant has not been reported in the literature in individuals affected with ALPK3-related conditions. Invitae Evidence Modeling of protein sequence and biophysical properties (such as structural, functional, and spatial information, amino acid conservation, physicochemical variation, residue mobility, and thermodynamic stability) indicates that this missense variant is not expected to disrupt ALPK3 protein function with a negative predictive value of 80%. In summary, the available evidence is currently insufficient to determine the role of this variant in disease. Therefore, it has been classified as a Variant of Uncertain Significance.